The following is an entry in ClinVar:

ClinVar aggregate classification (germline): Uncertain significance (1 of 4 stars; one submission).

Conditions:
Catecholaminergic polymorphic ventricular tachycardia 1. Also called: VENTRICULAR TACHYCARDIA, STRESS-INDUCED POLYMORPHIC 1; RYR2-Related Catecholaminergic Polymorphic Ventricular Tachycardia; VENTRICULAR TACHYCARDIA, CATECHOLAMINERGIC POLYMORPHIC, 1, WITH OR WITHOUT ATRIAL DYSFUNCTION AND/OR DILATED CARDIOMYOPATHY. Identifiers: Orphanet 3286, MedGen C1631597, MONDO:0011484, OMIM 604772.

Submission:

Labcorp Genetics (formerly Invitae), Labcorp
Classification: Uncertain significance for Catecholaminergic polymorphic ventricular tachycardia 1. Last evaluated: 2025-05-13. Review status: criteria provided, single submitter. Criteria: Invitae Variant Classification Sherloc (09022015). Collection method: clinical testing. Allele origin: germline.
Comment: This sequence change replaces lysine, which is basic and polar, with threonine, which is neutral and polar, at codon 2752 of the RYR2 protein (p.Lys2752Thr). This variant is not present in population databases (gnomAD no frequency). This variant has not been reported in the literature in individuals affected with RYR2-related conditions. Invitae Evidence Modeling of protein sequence and biophysical properties (such as structural, functional, and spatial information, amino acid conservation, physicochemical variation, residue mobility, and thermodynamic stability) indicates that this missense variant is expected to disrupt RYR2 protein function with a positive predictive value of 95%. In summary, the available evidence is currently insufficient to determine the role of this variant in disease. Therefore, it has been classified as a Variant of Uncertain Significance.

NM_001035.3(RYR2):c.8255A>C (p.Lys2752Thr)

Gene: RYR2 (ryanodine receptor 2; plus strand). Cytogenetic location: 1q43.
Variant type: single nucleotide variant.
Coding change: c.8255A>C on transcript NM_001035.3 (MANE Select); coding-DNA position 8255, A replaced by C.
Protein change: p.Lys2752Thr; replaces lysine 2752 with threonine.
Molecular consequence: missense variant.
Genome position (GRCh38, 1-based): chr1:237,660,031, A>C. VCF-style: chr1-237660031-A-C. GRCh37 (hg19) VCF-style: chr1-237823331-A-C.
Other names: short protein forms K2752T.
Identifiers: ClinVar variation 4800093 (VCV004800093.1).